The following is an entry in ClinVar:

NM_182961.4(SYNE1):c.4756A>C (p.Thr1586Pro)

Gene: SYNE1 (spectrin repeat containing nuclear envelope protein 1; minus strand). Cytogenetic location: 6q25.2.
Variant type: single nucleotide variant.
Coding change: c.4756A>C on transcript NM_182961.4 (MANE Select); coding-DNA position 4756, A replaced by C.
Protein change: p.Thr1586Pro; replaces threonine 1586 with proline.
Molecular consequence: missense variant.
Genome position (GRCh38, 1-based): chr6:152,430,144, T>G on the plus strand (A>C on the coding strand, the complement: SYNE1 is on the minus strand). VCF-style: chr6-152430144-T-G. GRCh37 (hg19) VCF-style: chr6-152751279-T-G.
Other names: c.4777A>C, p.Thr1593Pro (NM_033071.5); short protein forms T1593P, T1586P.
Identifiers: ClinVar variation 4782552 (VCV004782552.1).

ClinVar aggregate classification (germline): Uncertain significance (1 of 4 stars; one submission).

Conditions:
Autosomal recessive ataxia, Beauce type. Also called: SYNE1-Related Autosomal Recessive Cerebellar Ataxia; Spinocerebellar ataxia, autosomal recessive 8; ATAXIA, RECESSIVE, OF BEAUCE; SYNE1 Deficiency. Identifiers: Orphanet 88644, MedGen C1853116, MONDO:0012549, OMIM 610743.
Emery-Dreifuss muscular dystrophy 4, autosomal dominant (EDMD4). Also called: EMERY-DREIFUSS MUSCULAR DYSTROPHY 4 WITH VARIABLE FEATURES. Identifiers: Orphanet 261, MedGen C2751807, MONDO:0013071, OMIM 612998.

gnomAD v4.1: 5 of 1,603,548 alleles (0.00031%); highest among the groups gnomAD compares: East Asian, 0.009%; no homozygotes.

Submission:

Labcorp Genetics (formerly Invitae), Labcorp
Classification: Uncertain significance for Emery-Dreifuss muscular dystrophy 4, autosomal dominant; Autosomal recessive ataxia, Beauce type. Last evaluated: 2025-11-02. Review status: criteria provided, single submitter. Criteria: Invitae Variant Classification Sherloc (09022015). Collection method: clinical testing. Allele origin: germline.
Comment: This sequence change replaces threonine, which is neutral and polar, with proline, which is neutral and non-polar, at codon 1593 of the SYNE1 protein (p.Thr1593Pro). This variant is present in population databases (rs749571011, gnomAD 0.01%). This variant has not been reported in the literature in individuals affected with SYNE1-related conditions. An algorithm developed to predict the effect of missense changes on protein structure and function (PolyPhen-2) suggests that this variant is likely to be tolerated. In summary, the available evidence is currently insufficient to determine the role of this variant in disease. Therefore, it has been classified as a Variant of Uncertain Significance.